The following is an entry in ClinVar:

ClinVar aggregate classification (germline): Uncertain significance. Review status: criteria provided, multiple submitters, no conflicts (2 of 4 stars). 2 submissions from 2 submitters: Uncertain significance (2). Last evaluated 2025-05-21.

Conditions:
Inborn genetic diseases. Identifiers: MedGen C0950123, MeSH D030342.

Allele frequency attached by ClinVar (database versions not stated): ExAC 0.00001; gnomAD 0.00001.
gnomAD v4.1: 12 of 1,614,070 alleles (0.00074%); highest among the groups gnomAD compares: African/African-American, 0.0013%; no homozygotes.

Submissions (2):

Ambry Genetics
Classification: Uncertain significance for Inborn genetic diseases. Last evaluated: 2025-05-21. Review status: criteria provided, single submitter. Criteria: Ambry Variant Classification Scheme 2023. Collection method: clinical testing. Allele origin: germline.

Labcorp Genetics (formerly Invitae), Labcorp
Classification: Uncertain significance. Last evaluated: 2022-04-30. Review status: criteria provided, single submitter. Criteria: Invitae Variant Classification Sherloc (09022015). Collection method: clinical testing. Allele origin: germline.
Comment: In summary, the available evidence is currently insufficient to determine the role of this variant in disease. Therefore, it has been classified as a Variant of Uncertain Significance. Algorithms developed to predict the effect of missense changes on protein structure and function are either unavailable or do not agree on the potential impact of this missense change (SIFT: "Deleterious"; PolyPhen-2: "Benign"; Align-GVGD: "Class C35"). This variant has not been reported in the literature in individuals affected with GDF5-related conditions. This variant is present in population databases (rs746953093, gnomAD 0.0009%). This sequence change replaces arginine, which is basic and polar, with leucine, which is neutral and non-polar, at codon 377 of the GDF5 protein (p.Arg377Leu).

NM_000557.5(GDF5):c.1130G>T (p.Arg377Leu)

Genes: GDF5 (growth differentiation factor 5; minus strand), GDF5-AS1 (GDF5 antisense RNA 1; plus strand). Cytogenetic location: 20q11.22.
Variant type: single nucleotide variant.
Coding change: c.1130G>T on transcript NM_000557.5 (MANE Select); coding-DNA position 1130, G replaced by T.
Protein change: p.Arg377Leu; replaces arginine 377 with leucine.
Molecular consequence: missense variant. On other transcripts: non-coding transcript variant (1).
Genome position (GRCh38, 1-based): chr20:35,434,285, C>A on the plus strand (G>T on the coding strand, the complement: GDF5 is on the minus strand). VCF-style: chr20-35434285-C-A. GRCh37 (hg19) VCF-style: chr20-34022083-C-A.
Other names: c.1130G>T, p.Arg377Leu (NM_001319138.2); c.1130G>T (NM_000557.2); short protein forms R377L.
Identifiers: ClinVar variation 1931879 (VCV001931879.6), dbSNP rs746953093, ClinGen allele CA9832156.